The following is an entry in ClinVar:

ClinVar aggregate classification (germline): Likely benign (0 of 4 stars; one submission).

Conditions:
FANCG-related disorder. Also called: FANCG-related condition.

Submission:

PreventionGenetics, part of Exact Sciences
Classification: Likely benign for FANCG-related condition. Last evaluated: 2020-12-29. Review status: no assertion criteria provided. Collection method: clinical testing. Allele origin: germline.
Comment: This variant is classified as likely benign based on ACMG/AMP sequence variant interpretation guidelines (Richards et al. 2015 PMID: 25741868, with internal and published modifications).

NM_004629.2(FANCG):c.298C>T (p.Leu100=)

Gene: FANCG (FA complementation group G; minus strand). Cytogenetic location: 9p13.3.
Variant type: single nucleotide variant.
Coding change: c.298C>T on transcript NM_004629.2 (MANE Select); coding-DNA position 298, C replaced by T.
Protein change: p.Leu100=; no amino-acid change (leucine 100 retained).
Molecular consequence: synonymous variant.
Genome position (GRCh38, 1-based): chr9:35,078,614, G>A on the plus strand (C>T on the coding strand, the complement: FANCG is on the minus strand). VCF-style: chr9-35078614-G-A. GRCh37 (hg19) VCF-style: chr9-35078611-G-A.
Identifiers: ClinVar variation 3031240 (VCV003031240.2), dbSNP rs904665296, ClinGen allele CA464602884.